The following is an entry in ClinVar:

NM_003322.6(TULP1):c.1486G>A (p.Ala496Thr)

Gene: TULP1 (TUB like protein 1; minus strand). Cytogenetic location: 6p21.31.
Variant type: single nucleotide variant.
Coding change: c.1486G>A on transcript NM_003322.6 (MANE Select); coding-DNA position 1486, G replaced by A.
Protein change: p.Ala496Thr; replaces alanine 496 with threonine.
Molecular consequence: missense variant.
Genome position (GRCh38, 1-based): chr6:35,499,990, C>T on the plus strand (G>A on the coding strand, the complement: TULP1 is on the minus strand). VCF-style: chr6-35499990-C-T. GRCh37 (hg19) VCF-style: chr6-35467767-C-T.
Other names: c.1327G>A, p.Ala443Thr (NM_001289395.2); short protein forms A496T, A443T.
Identifiers: ClinVar variation 99664 (VCV000099664.65), dbSNP rs141980901, ClinGen allele CA227706.

ClinVar aggregate classification (germline): Conflicting classifications of pathogenicity. Review status: criteria provided, conflicting classifications (1 of 4 stars). 11 submissions from 10 submitters: Uncertain significance (3); Benign (1); Likely benign (3). 4 of the submissions do not count toward it. Last evaluated 2026-03-01.

Conditions:
TULP1-related disorder. Also called: TULP1-related condition; TULP1-related disorders.
Retinitis pigmentosa (RP). Identifiers: Orphanet 791, MedGen C0035334, MeSH D012174, MONDO:0019200, OMIM 268000. Inheritance: Autosomal dominant, autosomal recessive and X linked inheritance.
Leber congenital amaurosis 15 (LCA15). Identifiers: Orphanet 65, MedGen C3151206, MONDO:0013457, OMIM 613843.

Allele frequency attached by ClinVar (database versions not stated): ESP Exome Variant Server 0.00062; gnomAD exomes 0.00063 and 0.00086; ExAC 0.00076; gnomAD 0.00104 and 0.00107; 1000 Genomes Project 0.00140; 1000 Genomes Project 30x 0.00141; TOPMed 0.00155.
gnomAD v4.1: 1,149 of 1,614,038 alleles (0.071%); highest among the groups gnomAD compares: Middle Eastern, 0.61%; 1 homozygote.

Submissions (11):

CeGaT Center for Human Genetics Tuebingen
Classification: Uncertain significance. Last evaluated: 2026-03-01. Review status: criteria provided, single submitter. Criteria: CeGaT Center For Human Genetics Tuebingen Variant Classification Criteria Version 2. Collection method: clinical testing. Allele origin: germline. Affected: yes. Observed: 2 variant alleles.
Comment: TULP1: PM1, BP4

Labcorp Genetics (formerly Invitae), Labcorp
Classification: Likely benign. Last evaluated: 2026-01-27. Review status: criteria provided, single submitter. Criteria: Invitae Variant Classification Sherloc (09022015). Collection method: clinical testing. Allele origin: germline.

Blueprint Genetics
Classification: Likely benign. Last evaluated: 2024-11-25. Review status: criteria provided, single submitter. Criteria: ACMG Guidelines, 2015. Collection method: clinical testing. Allele origin: germline.

Women's Health and Genetics/Laboratory Corporation of America, LabCorp
Classification: Benign. Last evaluated: 2022-03-03. Review status: criteria provided, single submitter. Criteria: LabCorp Variant Classification Summary - May 2015. Collection method: clinical testing. Allele origin: germline.
Comment: Variant summary: TULP1 c.1486G>A (p.Ala496Thr) results in a non-conservative amino acid change located in the Tubby, C-terminal domain (IPR000007) of the encoded protein sequence. Four of five in-silico tools predict a benign effect of the variant on protein function. The variant allele was found at a frequency of 0.00086 in 251230 control chromosomes, predominantly at a frequency of 0.0027 within the Latino subpopulation in the gnomAD database. The observed variant frequency within Latino control individuals in the gnomAD database is approximately 5.4 fold of the estimated maximal expected allele frequency for a pathogenic variant in TULP1 causing Leber Congenital Amaurosis phenotype (0.0005), strongly suggesting that the variant is a benign polymorphism found primarily in populations of Latino origin. c.1486G>A has been reported in the literature as a heterozygous variant in at-least one in individual affected with Leber Congenital Amaurosis, who had an alternate molecular basis of disease described below (example, El Shamieh_2015). These report(s) do not provide unequivocal conclusions about association of the variant with Leber Congenital Amaurosis. To our knowledge, no experimental evidence demonstrating an impact on protein function has been reported. Four clinical diagnostic laboratories have submitted clinical-significance assessments for this variant to ClinVar after 2014 without evidence for independent evaluation. Multiple laboratories reported the variant with conflicting assessments (likely benign, n=2; VUS, n=2). Based on the evidence outlined above, the variant was classified as benign.

Illumina Laboratory Services, Illumina
Classification: Uncertain significance for Retinitis pigmentosa. Last evaluated: 2017-04-27. Review status: criteria provided, single submitter. Criteria: ICSL Variant Classification Criteria 13 December 2019. Collection method: clinical testing. Allele origin: germline.

Illumina Laboratory Services, Illumina
Classification: Uncertain significance for Leber congenital amaurosis 15. Last evaluated: 2017-04-27. Review status: criteria provided, single submitter. Criteria: ICSL Variant Classification Criteria 13 December 2019. Collection method: clinical testing. Allele origin: germline.

Eurofins Ntd Llc (ga)
Classification: Likely benign. Last evaluated: 2017-01-24. Review status: criteria provided, single submitter. Criteria: EGL Classification Definitions 2015. Collection method: clinical testing. Allele origin: germline. Observed: 1 variant allele, 1 heterozygote.

PreventionGenetics, part of Exact Sciences
Classification: Likely benign for TULP1-related condition. Last evaluated: 2024-08-05. Review status: no assertion criteria provided. Collection method: clinical testing. Allele origin: germline. Not counted in ClinVar's aggregate classification.
Comment: This variant is classified as likely benign based on ACMG/AMP sequence variant interpretation guidelines (Richards et al. 2015 PMID: 25741868, with internal and published modifications).

Clinical Genetics DNA and cytogenetics Diagnostics Lab, Erasmus MC, Erasmus Medical Center
Classification: Likely benign. Review status: no assertion criteria provided. Collection method: clinical testing. Allele origin: germline. Affected: yes. Study: VKGL Data-share Consensus. Not counted in ClinVar's aggregate classification.

Clinical Genetics, Academic Medical Center
Classification: Likely benign. Review status: no assertion criteria provided. Collection method: clinical testing. Allele origin: germline. Affected: yes. Study: VKGL Data-share Consensus. Not counted in ClinVar's aggregate classification.

Retina International
No classification provided. Review status: no classification provided. Collection method: not provided. Allele origin: not provided. Not counted in ClinVar's aggregate classification.

Literature cited by the submitters: PubMed 25692139 (cited by Women's Health and Genetics/Laboratory Corporation of America, LabCorp); PubMed 9660588 (cited by Eurofins Ntd Llc (ga)).